The following is an entry in ClinVar:

ClinVar aggregate classification (germline): Uncertain significance (1 of 4 stars; one submission).

Submission:

Ambry Genetics
Classification: Uncertain significance. Last evaluated: 2026-05-11. Review status: criteria provided, single submitter. Criteria: Ambry Variant Classification Scheme 2023. Collection method: clinical testing. Allele origin: germline.
Comment: The c.949+10C>T intronic variant consists of a C to T substitution 10 nucleotides after exon 7 (coding exon 7) of the CELF4 gene. This variant was not reported in population-based cohorts in the Genome Aggregation Database (gnomAD). This nucleotide position is not well conserved in available vertebrate species. In silico splice site analysis predicts that this alteration will result in the creation or strengthening of a novel splice donor site. Based on insufficient or conflicting evidence, the clinical significance of this alteration remains unclear.

NM_020180.4(CELF4):c.949+10C>T

Gene: CELF4 (CUGBP Elav-like family member 4; minus strand). Cytogenetic location: 18q12.2.
Variant type: single nucleotide variant.
Coding change: c.949+10C>T on transcript NM_020180.4 (MANE Select); 10 bases into the intron after coding-DNA position 949, C replaced by T.
Molecular consequence: intron variant.
Genome position (GRCh38, 1-based): chr18:37,273,006, G>A on the plus strand (C>T on the coding strand, the complement: CELF4 is on the minus strand). VCF-style: chr18-37273006-G-A. GRCh37 (hg19) VCF-style: chr18-34852969-G-A.
Other names: c.913+10C>T (NM_001353733.2, NM_001353722.2, NM_001353711.2 and 5 more transcripts); c.916+10C>T (NM_001353714.2, NM_001353732.2, NM_001353695.2 and 14 more transcripts); c.919+10C>T (NM_001353720.2, NM_001353710.2, NM_001353700.2 and 6 more transcripts); c.943+10C>T (NM_001353712.2, NM_001353716.2, NM_001353702.2 and 2 more transcripts); c.946+10C>T (NM_001353737.2, NM_001353718.2, NM_001353729.2 and 12 more transcripts); c.949+10C>T (NM_001353736.2, NM_001353724.2, NM_001353744.2 and 6 more transcripts); c.547+10C>T (NM_001353758.2, NM_001353759.2); c.550+10C>T (NM_001353760.2, NM_001353757.2); and 1 more.
Identifiers: ClinVar variation 4868710 (VCV004868710.1).